The following is an entry in ClinVar:

NM_015465.5(GEMIN5):c.1781C>G (p.Pro594Arg)

Gene: GEMIN5 (gem nuclear organelle associated protein 5; minus strand). Cytogenetic location: 5q33.2.
Variant type: single nucleotide variant.
Coding change: c.1781C>G on transcript NM_015465.5 (MANE Select); coding-DNA position 1781, C replaced by G.
Protein change: p.Pro594Arg; replaces proline 594 with arginine.
Molecular consequence: missense variant.
Genome position (GRCh38, 1-based): chr5:154,917,072, G>C on the plus strand (C>G on the coding strand, the complement: GEMIN5 is on the minus strand). VCF-style: chr5-154917072-G-C. GRCh37 (hg19) VCF-style: chr5-154296632-G-C.
Other names: c.1781C>G (NM_015465.4); c.1778C>G, p.Pro593Arg (NM_001252156.2); short protein forms P593R, P594R.
Identifiers: ClinVar variation 2655979 (VCV002655979.26), dbSNP rs142530738, ClinGen allele CA3528883.

ClinVar aggregate classification (germline): Conflicting classifications of pathogenicity. Review status: criteria provided, conflicting classifications (1 of 4 stars). 2 submissions from 2 submitters: Uncertain significance (1); Likely benign (1). Last evaluated 2026-06-01.

Allele frequency attached by ClinVar (database versions not stated): 1000 Genomes Project 0.00100; 1000 Genomes Project 30x 0.00141; gnomAD 0.00208; TOPMed 0.00218; ExAC 0.00260; ESP Exome Variant Server 0.00284; gnomAD exomes 0.00333.
gnomAD v4.1: 5,157 of 1,609,288 alleles (0.32%); highest among the groups gnomAD compares: Non-Finnish European, 0.36%; 15 homozygotes.

Submissions (2):

CeGaT Center for Human Genetics Tuebingen
Classification: Likely benign. Last evaluated: 2026-06-01. Review status: criteria provided, single submitter. Criteria: CeGaT Center For Human Genetics Tuebingen Variant Classification Criteria Version 2. Collection method: clinical testing. Allele origin: germline. Affected: yes. Observed: 11 variant alleles.
Comment: GEMIN5: BS2

GeneDx
Classification: Uncertain significance. Last evaluated: 2026-05-19. Review status: criteria provided, single submitter. Criteria: GeneDx Variant Classification Process June 2021. Collection method: clinical testing. Allele origin: germline.
Comment: In silico analysis supports that this missense variant has a deleterious effect on protein structure/function; This variant is associated with the following publications: (PMID: 35295849, 35132093, 39819844)